The following is an entry in ClinVar:

ClinVar aggregate classification (germline): Likely benign. Review status: criteria provided, multiple submitters, no conflicts (2 of 4 stars). 2 submissions from 2 submitters: Likely benign (2). Last evaluated 2023-04-01.

Allele frequency attached by ClinVar (database versions not stated): 1000 Genomes Project 0.00100; 1000 Genomes Project 30x 0.00125; TOPMed 0.00195; gnomAD 0.00327 and 0.00340; gnomAD exomes 0.00401.
gnomAD v4.1: 6,249 of 1,599,164 alleles (0.39%); highest among the groups gnomAD compares: Non-Finnish European, 0.41%; 27 homozygotes.

Submissions (2):

CeGaT Center for Human Genetics Tuebingen
Classification: Likely benign. Last evaluated: 2023-04-01. Review status: criteria provided, single submitter. Criteria: CeGaT Center For Human Genetics Tuebingen Variant Classification Criteria Version 2. Collection method: clinical testing. Allele origin: germline. Affected: yes. Observed: 3 variant alleles.
Comment: TGFBR1: BS1

GeneDx
Classification: Likely benign. Last evaluated: 2018-07-27. Review status: criteria provided, single submitter. Criteria: GeneDx Variant Classification Process June 2021. Collection method: clinical testing. Allele origin: germline. Affected: yes.

NM_004612.4(TGFBR1):c.344-71G>A

Gene: TGFBR1 (transforming growth factor beta receptor 1; plus strand). Cytogenetic location: 9q22.33.
Variant type: single nucleotide variant.
Coding change: c.344-71G>A on transcript NM_004612.4 (MANE Select); 71 bases into the intron before coding-DNA position 344, G replaced by A.
Molecular consequence: intron variant.
Genome position (GRCh38, 1-based): chr9:99,132,438, G>A. VCF-style: chr9-99132438-G-A. GRCh37 (hg19) VCF-style: chr9-101894720-G-A.
Other names: c.344-59G>A (NM_001306210.2); c.343+3338G>A (NM_001130916.3).
Identifiers: ClinVar variation 1202256 (VCV001202256.34), dbSNP rs72739279, ClinGen allele CA196885281.